The following is an entry in ClinVar:

ClinVar aggregate classification (germline): Likely benign. Review status: criteria provided, multiple submitters, no conflicts (2 of 4 stars). 2 submissions from 2 submitters: Likely benign (2). Last evaluated 2023-06-08.

Conditions:
Classic or attenuated familial adenomatous polyposis. Identifiers: MedGen CN372698, MONDO:0021057.
Hereditary cancer-predisposing syndrome. Also called: Hereditary Cancer Syndrome; Neoplastic Syndromes, Hereditary; Tumor predisposition; Hereditary neoplastic syndrome. Identifiers: Orphanet 140162, MedGen C0027672, MeSH D009386, MONDO:0015356.

Allele frequency attached by ClinVar (database versions not stated): gnomAD exomes below 0.00001.
gnomAD v4.1: 1 of 1,614,100 alleles (0.000062%); highest among the groups gnomAD compares: Non-Finnish European, 0.000085%; no homozygotes.

Submissions (2):

All of Us Research Program, National Institutes of Health
Classification: Likely benign for Classic or attenuated familial adenomatous polyposis. Last evaluated: 2023-06-08. Review status: criteria provided, single submitter. Criteria: ACMG Guidelines, 2015. Collection method: clinical testing. Allele origin: germline. Inheritance: Autosomal dominant inheritance. Observed: 1 variant allele, 1 heterozygote.
Comment: This study involves interpretation of variants in research participants for the purpose of population health screening. Participant phenotype was not available at the time of variant classification. Additional details can be found in publication PMID: 35346344, PMCID: PMC8962531

Ambry Genetics
Classification: Likely benign for Hereditary cancer-predisposing syndrome. Last evaluated: 2019-09-22. Review status: criteria provided, single submitter. Criteria: Ambry Variant Classification Scheme 2023. Collection method: clinical testing. Allele origin: germline.

NM_000038.6(APC):c.5223C>T (p.Phe1741=)

Gene: APC (APC regulator of Wnt signaling pathway; plus strand). Cytogenetic location: 5q22.2.
Variant type: single nucleotide variant.
Coding change: c.5223C>T on transcript NM_000038.6 (MANE Select); coding-DNA position 5223, C replaced by T.
Protein change: p.Phe1741=; no amino-acid change (phenylalanine 1741 retained).
Molecular consequence: synonymous variant. On other transcripts: non-coding transcript variant (2).
Genome position (GRCh38, 1-based): chr5:112,840,817, C>T. VCF-style: chr5-112840817-C-T. GRCh37 (hg19) VCF-style: chr5-112176514-C-T.
Other names: c.5223C>T, p.Phe1741= (NM_001127510.3, NM_001354895.2, NM_001407450.1); c.5169C>T, p.Phe1723= (NM_001127511.3); c.5277C>T, p.Phe1759= (NM_001354896.2, NM_001407447.1, NM_001407448.1 and 1 more transcripts); c.5253C>T, p.Phe1751= (NM_001354897.2); c.5148C>T, p.Phe1716= (NM_001354898.2); c.5139C>T, p.Phe1713= (NM_001354899.2); c.5100C>T, p.Phe1700= (NM_001354900.2); c.5046C>T, p.Phe1682= (NM_001354901.2, NM_001407453.1); and 11 more.
Identifiers: ClinVar variation 1746167 (VCV001746167.3), dbSNP rs2149935083, ClinGen allele CA446209650.
Genomic context (GRCh38, chr5:112,840,817, plus strand): 5'-TGATATTCTTGCAGAATGCATTAATTCTGCTATGCCCAAAGGGAAAAGTCACAAGCCTTT[C>T]CGTGTGAAAAAGATAATGGACCAGGTCCAGCAAGCATCTGCGTCTTCTTCTGCACCCAAC-3'
Protein context (NP_000029.2, residues 1731-1751): AMPKGKSHKP[Phe1741=]RVKKIMDQVQ